The following is an entry in ClinVar:

NM_001365480.1(CCDC88A):c.1793A>G (p.Glu598Gly)

Gene: CCDC88A (coiled-coil and HOOK domain protein 88A; minus strand). Cytogenetic location: 2p16.1.
Variant type: single nucleotide variant.
Coding change: c.1793A>G on transcript NM_001365480.1 (MANE Select); coding-DNA position 1793, A replaced by G.
Protein change: p.Glu598Gly; replaces glutamic acid 598 with glycine.
Molecular consequence: missense variant.
Genome position (GRCh38, 1-based): chr2:55,335,028, T>C on the plus strand (A>G on the coding strand, the complement: CCDC88A is on the minus strand). VCF-style: chr2-55335028-T-C. GRCh37 (hg19) VCF-style: chr2-55562164-T-C.
Other names: c.1793A>G, p.Glu598Gly (NM_001135597.2, NM_001254943.2, NM_018084.5); short protein forms E598G.
Identifiers: ClinVar variation 2118609 (VCV002118609.4), dbSNP rs2544837388, ClinGen allele CA346902007.

ClinVar aggregate classification (germline): Uncertain significance (1 of 4 stars; one submission).

Allele frequency attached by ClinVar (database versions not stated): gnomAD exomes below 0.00001.
gnomAD v4.1: 1 of 1,611,088 alleles (0.000062%); highest among the groups gnomAD compares: Non-Finnish European, 0.000085%; no homozygotes.

Submission:

Labcorp Genetics (formerly Invitae), Labcorp
Classification: Uncertain significance. Last evaluated: 2023-12-07. Review status: criteria provided, single submitter. Criteria: Invitae Variant Classification Sherloc (09022015). Collection method: clinical testing. Allele origin: germline.
Comment: This sequence change replaces glutamic acid, which is acidic and polar, with glycine, which is neutral and non-polar, at codon 598 of the CCDC88A protein (p.Glu598Gly). This variant is not present in population databases (gnomAD no frequency). This variant has not been reported in the literature in individuals affected with CCDC88A-related conditions. ClinVar contains an entry for this variant (Variation ID: 2118609). An algorithm developed to predict the effect of missense changes on protein structure and function (PolyPhen-2) suggests that this variant is likely to be disruptive. In summary, the available evidence is currently insufficient to determine the role of this variant in disease. Therefore, it has been classified as a Variant of Uncertain Significance.